The following is an entry in ClinVar:

ClinVar aggregate classification (germline): Uncertain significance. Review status: criteria provided, multiple submitters, no conflicts (2 of 4 stars). 4 submissions from 4 submitters: Uncertain significance (4). Last evaluated 2025-05-13.

Conditions:
Catecholaminergic polymorphic ventricular tachycardia 1. Also called: RYR2-Related Catecholaminergic Polymorphic Ventricular Tachycardia; VENTRICULAR TACHYCARDIA, CATECHOLAMINERGIC POLYMORPHIC, 1, WITH OR WITHOUT ATRIAL DYSFUNCTION AND/OR DILATED CARDIOMYOPATHY; VENTRICULAR TACHYCARDIA, STRESS-INDUCED POLYMORPHIC 1. Identifiers: Orphanet 3286, MedGen C1631597, MONDO:0011484, OMIM 604772.
Ventricular arrhythmias due to cardiac ryanodine receptor calcium release deficiency syndrome. Also called: Autosomal dominant cardiac arrhythmia (Kuhn). Identifiers: MedGen C5542154, MONDO:0020745, OMIM 115000.
Arrhythmogenic right ventricular dysplasia 2. Identifiers: MedGen C1832931.
Cardiovascular phenotype. Identifiers: MedGen CN230736.
Cardiomyopathy (CMYO). Also called: Cardiomyopathies. Identifiers: Orphanet 167848, MedGen C0878544, MONDO:0004994, HP:0001638. Inheritance: Various modes of inheritance.

gnomAD v4.1: 1 of 1,608,664 alleles (0.000062%); highest among the groups gnomAD compares: Non-Finnish European, 0.000085%; no homozygotes.

Submissions (4):

Color Diagnostics, LLC DBA Color Health
Classification: Uncertain significance for Cardiomyopathy. Last evaluated: 2025-05-13. Review status: criteria provided, single submitter. Criteria: ACMG Guidelines, 2015. Collection method: clinical testing. Allele origin: germline.
Comment: This variant causes a C to G nucleotide substitution at the +3 position of intron 36 of the RYR2 gene. To our knowledge, functional studies have not been reported for this variant. This variant has not been reported in individuals affected with RYR2-related disorders in the literature. This variant has not been identified in the general population by the Genome Aggregation Database (gnomAD). The available evidence is insufficient to determine the role of this variant in disease conclusively. Therefore, this variant is classified as a Variant of Uncertain Significance.

Ambry Genetics
Classification: Uncertain significance for Cardiovascular phenotype. Last evaluated: 2024-05-29. Review status: criteria provided, single submitter. Criteria: Ambry Variant Classification Scheme 2023. Collection method: clinical testing. Allele origin: germline.
Comment: The c.4910+3C>G intronic variant results from a C to G substitution 3 nucleotides after coding exon 36 in the RYR2 gene. This nucleotide position is not well conserved in available vertebrate species. In silico splice site analysis predicts that this alteration will not have any significant effect on splicing. Based on the available evidence, the clinical significance of this variant remains unclear.

Fulgent Genetics
Classification: Uncertain significance for Ventricular arrhythmias due to cardiac ryanodine receptor calcium release deficiency syndrome; Catecholaminergic polymorphic ventricular tachycardia 1. Last evaluated: 2021-08-30. Review status: criteria provided, single submitter. Criteria: ACMG Guidelines, 2015. Collection method: clinical testing. Allele origin: unknown.

Labcorp Genetics (formerly Invitae), Labcorp
Classification: Uncertain significance for Catecholaminergic polymorphic ventricular tachycardia 1. Last evaluated: 2020-02-14. Review status: criteria provided, single submitter. Criteria: Invitae Variant Classification Sherloc (09022015). Collection method: clinical testing. Allele origin: germline.
Comment: This variant is not present in population databases (ExAC no frequency). In summary, the available evidence is currently insufficient to determine the role of this variant in disease. Therefore, it has been classified as a Variant of Uncertain Significance. Nucleotide substitutions within the consensus splice site are a relatively common cause of aberrant splicing (PMID: 17576681, 9536098). Algorithms developed to predict the effect of sequence changes on RNA splicing suggest that this variant is not likely to affect RNA splicing, but this prediction has not been confirmed by published transcriptional studies. This variant has not been reported in the literature in individuals with RYR2-related conditions. This sequence change falls in intron 36 of the RYR2 gene. It does not directly change the encoded amino acid sequence of the RYR2 protein, but it affects a nucleotide within the consensus splice site of the intron.

Literature cited by the submitters: PubMed 17576681 (cited by Labcorp Genetics (formerly Invitae), Labcorp); PubMed 9536098 (cited by Labcorp Genetics (formerly Invitae), Labcorp).

NM_001035.3(RYR2):c.4910+3C>G

Gene: RYR2 (ryanodine receptor 2; plus strand). Cytogenetic location: 1q43.
Variant type: single nucleotide variant.
Coding change: c.4910+3C>G on transcript NM_001035.3 (MANE Select); 3 bases into the intron after coding-DNA position 4910, C replaced by G.
Molecular consequence: intron variant.
Genome position (GRCh38, 1-based): chr1:237,610,991, C>G. VCF-style: chr1-237610991-C-G. GRCh37 (hg19) VCF-style: chr1-237774291-C-G.
Other names: c.4910+3C>G (NM_001035.2).
Identifiers: ClinVar variation 1019767 (VCV001019767.14), dbSNP rs757198624, ClinGen allele CA39825216.